The following is an entry in ClinVar:

NM_000219.6(KCNE1):c.28A>C (p.Thr10Pro)

Gene: KCNE1 (potassium voltage-gated channel subfamily E regulatory subunit 1; minus strand). Cytogenetic location: 21q22.12.
Variant type: single nucleotide variant.
Coding change: c.28A>C on transcript NM_000219.6 (MANE Select); coding-DNA position 28, A replaced by C.
Protein change: p.Thr10Pro; replaces threonine 10 with proline.
Molecular consequence: missense variant.
Genome position (GRCh38, 1-based): chr21:34,449,607, T>G on the plus strand (A>C on the coding strand, the complement: KCNE1 is on the minus strand). VCF-style: chr21-34449607-T-G. GRCh37 (hg19) VCF-style: chr21-35821905-T-G.
Other names: c.28A>C, p.Thr10Pro (NM_001127668.4, NM_001127669.4, NM_001127670.4 and 4 more transcripts); short protein forms T10P.
Identifiers: ClinVar variation 3374521 (VCV003374521.2).

Conditions:
Long QT syndrome 5 (LQT5). Identifiers: Orphanet 101016, Orphanet 768, MedGen C1867904, MONDO:0013372, OMIM 613695.

Submission:

Roden Lab, Vanderbilt University Medical Center
No classification provided (evidence only). Condition: Long QT syndrome 5. Review status: no classification provided. Collection method: in vitro. Allele origin: not applicable. Functional consequence: Effect on ion channel function.
ClinVar note: "not provided" was previously submitted as the classification for the variant. However, the classification appeared to be based only on an observation of functional data so it was converted to no classification on 2025-07-30.